The following is an entry in ClinVar:

ClinVar aggregate classification (germline): Likely benign (1 of 4 stars; one submission).

gnomAD v4.1: 29 of 1,611,600 alleles (0.0018%); highest among the groups gnomAD compares: Non-Finnish European, 0.0023%; no homozygotes.

Submission:

CeGaT Center for Human Genetics Tuebingen
Classification: Likely benign. Last evaluated: 2025-12-01. Review status: criteria provided, single submitter. Criteria: CeGaT Center For Human Genetics Tuebingen Variant Classification Criteria Version 2. Collection method: clinical testing. Allele origin: germline. Affected: yes. Observed: 1 variant allele.
Comment: TTN: BP4, BP7

NM_001267550.2(TTN):c.23904C>T (p.Gly7968=)

Gene: TTN (titin; minus strand). Cytogenetic location: 2q31.2.
Variant type: single nucleotide variant.
Coding change: c.23904C>T on transcript NM_001267550.2 (MANE Select); coding-DNA position 23904, C replaced by T.
Protein change: p.Gly7968=; no amino-acid change (glycine 7968 retained).
Molecular consequence: synonymous variant. On other transcripts: intron variant (3).
Genome position (GRCh38, 1-based): chr2:178,719,588, G>A on the plus strand (C>T on the coding strand, the complement: TTN is on the minus strand). VCF-style: chr2-178719588-G-A. GRCh37 (hg19) VCF-style: chr2-179584315-G-A.
Other names: c.13657+18494C>T (NM_133432.3); c.22953C>T, p.Gly7651= (NM_001256850.1); c.20172C>T, p.Gly6724= (NM_133378.4); c.13282+18494C>T (NM_003319.4); c.13858+18494C>T (NM_133437.4).
Identifiers: ClinVar variation 4681625 (VCV004681625.5).